The following is an entry in ClinVar:

ClinVar aggregate classification (germline): Uncertain significance (1 of 4 stars; one submission).

Conditions:
ZMYM2-related disorder. Also called: ZMYM2-related condition.

Submission:

PreventionGenetics, part of Exact Sciences
Classification: Uncertain significance for ZMYM2-related condition. Last evaluated: 2026-01-13. Review status: criteria provided, single submitter. Criteria: ACMG Guidelines, 2015. Collection method: clinical testing. Allele origin: germline.
Comment: The ZMYM2 c.8_9dupCA variant is predicted to result in a frameshift and premature protein termination (p.Ser4Glnfs*7). To our knowledge, this variant has not been reported in the literature or in a large population database (gnomAD), indicating this variant is rare. While loss of function variants in ZMYM2 are causative, to our knowledge, no other loss of function variants have been reported 5' of this variant. In addition, there is another in-frame methionine located at p.24 which may restore in-frame translation. Although we suspect that this variant may be pathogenic, at this time, the clinical significance of this variant is uncertain due to the absence of conclusive functional and genetic evidence.

NM_197968.4(ZMYM2):c.8_9dup (p.Ser4fs)

Gene: ZMYM2 (zinc finger MYM-type containing 2; plus strand). Cytogenetic location: 13q12.11.
Variant type: Microsatellite.
Coding change: c.8_9dup on transcript NM_197968.4 (MANE Select); coding-DNA positions 8 to 9, 2 bases duplicated (CA; older notation c.8_9dupCA).
Protein change: p.Ser4fs; shifts the reading frame from serine 4.
Molecular consequence: frameshift variant. On other transcripts: non-coding transcript variant (1).
Genome position (GRCh38, 1-based): chr13:19,993,080-19,993,081, CA duplicated; duplicating any 2 consecutive bases within chr13:19,993,077-19,993,081 gives the same sequence; the c. name uses the placement nearest the transcript's 3' end. VCF-style (leftmost placement, unchanged base first): chr13-19993076-G-GAC. GRCh37 (hg19) VCF-style: chr13-20567216-G-GAC.
Other names: c.8_9dup, p.Ser4fs (NM_001190964.4, NM_001190965.4, NM_001353157.2 and 6 more transcripts); c.74_75dup, p.Ser26fs (NM_001353161.3); short protein forms S26fs, S4fs.
Identifiers: ClinVar variation 4993521 (VCV004993521.1).